The following is an entry in ClinVar:

NM_000069.3(CACNA1S):c.2004G>C (p.Glu668Asp)

Gene: CACNA1S (calcium voltage-gated channel subunit alpha1 S; minus strand). Cytogenetic location: 1q32.1.
Variant type: single nucleotide variant.
Coding change: c.2004G>C on transcript NM_000069.3 (MANE Select); coding-DNA position 2004, G replaced by C.
Protein change: p.Glu668Asp; replaces glutamic acid 668 with aspartic acid.
Molecular consequence: missense variant.
Genome position (GRCh38, 1-based): chr1:201,074,565, C>G on the plus strand (G>C on the coding strand, the complement: CACNA1S is on the minus strand). VCF-style: chr1-201074565-C-G. GRCh37 (hg19) VCF-style: chr1-201043693-C-G.
Other names: short protein forms E668D.
Identifiers: ClinVar variation 2931709 (VCV002931709.3), dbSNP rs770595820, ClinGen allele CA078748.

ClinVar aggregate classification (germline): Uncertain significance (1 of 4 stars; one submission).

Conditions:
Malignant hyperthermia, susceptibility to, 5 (MHS5). Also called: CACNA1S-Related Malignant Hyperthermia Susceptibility. Identifiers: Orphanet 423, MedGen C1866077, MONDO:0011163, OMIM 601887.
Hypokalemic periodic paralysis, type 1. Also called: Hypokalemic Periodic Paralysis Type 1 (AD); HypoPP. Identifiers: Orphanet 681, MedGen C3714580, MONDO:0042979, OMIM 170400.

Allele frequency attached by ClinVar (database versions not stated): ExAC 0.00001; gnomAD exomes 0.00001.
gnomAD v4.1: 3 of 1,614,138 alleles (0.00019%); highest among the groups gnomAD compares: Non-Finnish European, 0.00025%; no homozygotes.

Submission:

Labcorp Genetics (formerly Invitae), Labcorp
Classification: Uncertain significance for Hypokalemic periodic paralysis, type 1; Malignant hyperthermia, susceptibility to, 5. Last evaluated: 2025-10-02. Review status: criteria provided, single submitter. Criteria: Invitae Variant Classification Sherloc (09022015). Collection method: clinical testing. Allele origin: germline.
Comment: This sequence change replaces glutamic acid, which is acidic and polar, with aspartic acid, which is acidic and polar, at codon 668 of the CACNA1S protein (p.Glu668Asp). This variant is present in population databases (rs770595820, gnomAD 0.0009%). This variant has not been reported in the literature in individuals affected with CACNA1S-related conditions. ClinVar contains an entry for this variant (Variation ID: 2931709). Invitae Evidence Modeling of protein sequence and biophysical properties (such as structural, functional, and spatial information, amino acid conservation, physicochemical variation, residue mobility, and thermodynamic stability) indicates that this missense variant is not expected to disrupt CACNA1S protein function with a negative predictive value of 95%. In summary, the available evidence is currently insufficient to determine the role of this variant in disease. Therefore, it has been classified as a Variant of Uncertain Significance.